The following is an entry in ClinVar:

ClinVar aggregate classification (germline): Pathogenic. Review status: reviewed by expert panel (3 of 4 stars). 3 submissions from 3 submitters: Pathogenic (1). 2 of the submissions do not count toward it. Last evaluated 2016-09-08.

Conditions:
Breast-ovarian cancer, familial, susceptibility to, 1 (BROVCA1). Also called: OVARIAN CANCER, SUSCEPTIBILITY TO; BRCA1 Hereditary Breast and Ovarian Cancer. Identifiers: Orphanet 145, MedGen C2676676, MONDO:0011450, OMIM 604370. Disease mechanism: loss of function.

Submissions (3):

Evidence-based Network for the Interpretation of Germline Mutant Alleles (ENIGMA)
Classification: Pathogenic for Breast-ovarian cancer, familial, susceptibility to, 1. Last evaluated: 2016-09-08. Review status: reviewed by expert panel. Criteria: ENIGMA BRCA1/2 Classification Criteria (2015). Collection method: curation. Allele origin: germline.
Comment: Variant allele predicted to encode a truncated non-functional protein.

GeneDx
Classification: Pathogenic. Last evaluated: 2021-06-23. Review status: criteria provided, single submitter. Criteria: GeneDx Variant Classification Process June 2021. Collection method: clinical testing. Allele origin: germline. Affected: yes. Not counted in ClinVar's aggregate classification.
Comment: Frameshift variant predicted to result in protein truncation or nonsense mediated decay in a gene for which loss-of-function is a known mechanism of disease; Not observed at significant frequency in large population cohorts (Lek 2016); Truncating variants in this gene are considered pathogenic by a well-established clinical consortium and/or database; Also known as c.3248_3257del10; Observed in families with breast and/or ovarian cancer (Mannan 2016, Rashid 2019); This variant is associated with the following publications: (PMID: 27535533, 26911350, 31528241)

Consortium of Investigators of Modifiers of BRCA1/2 (CIMBA), c/o University of Cambridge
Classification: Pathogenic for Breast-ovarian cancer, familial, susceptibility to, 1. Last evaluated: 2015-10-02. Review status: criteria provided, single submitter. Criteria: CIMBA Mutation Classification guidelines May 2016. Collection method: clinical testing. Allele origin: germline. Not counted in ClinVar's aggregate classification.

NM_007294.4(BRCA1):c.3129_3138del (p.Asn1043fs)

Gene: BRCA1 (BRCA1 DNA repair associated; minus strand). Cytogenetic location: 17q21.31.
Variant type: Deletion.
Coding change: c.3129_3138del on transcript NM_007294.4 (MANE Select); coding-DNA positions 3129 to 3138, 10 bases deleted (TATTAATGAA; older notation c.3129_3138delTATTAATGAA).
Protein change: p.Asn1043fs; shifts the reading frame from asparagine 1043.
Molecular consequence: frameshift variant. On other transcripts: intron variant (137).
Genome position (GRCh38, 1-based): chr17:43,092,393-43,092,402, TTCATTAATA deleted on the plus strand (TATTAATGAA on the coding strand, the reverse complement: BRCA1 is on the minus strand); deleting any 10 consecutive bases within chr17:43,092,393-43,092,404 gives the same sequence; the c. name uses the placement nearest the transcript's 3' end. VCF-style (leftmost placement, unchanged base first): chr17-43092392-CTTCATTAATA-C. GRCh37 (hg19) VCF-style: chr17-41244409-CTTCATTAATA-C.
Other names: c.3129_3138delTATTAATGAA (NM_007294.3); c.3006_3015del, p.Asn1002fs (NM_001407681.1, NM_001407664.1, NM_001407674.1 and 19 more transcripts); c.3129_3138del, p.Asn1043fs (NM_001407593.1, NM_001407594.1, NM_001407596.1 and 30 more transcripts); c.3126_3135del, p.Asn1042fs (NM_001407610.1, NM_001407627.1, NM_001407636.1 and 22 more transcripts); c.3051_3060del, p.Asn1017fs (NM_001407656.1, NM_001407657.1, NM_001407658.1 and 4 more transcripts); c.3048_3057del, p.Asn1016fs (NM_001407659.1, NM_001407660.1, NM_001407661.1 and 1 more transcripts); c.3003_3012del, p.Asn1001fs (NM_001407673.1, NM_001407649.1, NM_001407670.1 and 11 more transcripts); c.647-1370_647-1361del (NM_001408455.1, NM_001408466.1, NM_001408452.1 and 11 more transcripts); and 42 more; short protein forms N1043fs, N996fs, N1002fs, N1016fs, N1017fs, N1040fs, N931fs, N972fs.
Identifiers: ClinVar variation 182111 (VCV000182111.7), dbSNP rs730881462, ClinGen allele CA002045.